The following is an entry in ClinVar:

ClinVar aggregate classification (germline): Pathogenic (1 of 4 stars; one submission).

Submission:

Labcorp Genetics (formerly Invitae), Labcorp
Classification: Pathogenic. Last evaluated: 2023-12-29. Review status: criteria provided, single submitter. Criteria: Invitae Variant Classification Sherloc (09022015). Collection method: clinical testing. Allele origin: germline.
Comment: This sequence change creates a premature translational stop signal (p.Glu274Aspfs*5) in the ALPL gene. It is expected to result in an absent or disrupted protein product. Loss-of-function variants in ALPL are known to be pathogenic (PMID: 3174660, 10679946, 32973344, 33814268). This variant is not present in population databases (gnomAD no frequency). This variant has not been reported in the literature in individuals affected with ALPL-related conditions. For these reasons, this variant has been classified as Pathogenic.

Literature cited by the submitters: PubMed 3174660; PubMed 10679946; PubMed 32973344; PubMed 33814268.

NM_000478.6(ALPL):c.822_823del (p.Glu274fs)

Gene: ALPL (alkaline phosphatase, biomineralization associated; plus strand). Cytogenetic location: 1p36.12.
Variant type: Deletion.
Coding change: c.822_823del on transcript NM_000478.6 (MANE Select); coding-DNA positions 822 to 823, 2 bases deleted (AC; older notation c.822_823delAC).
Protein change: p.Glu274fs; shifts the reading frame from glutamic acid 274.
Molecular consequence: frameshift variant.
Genome position (GRCh38, 1-based): chr1:21,570,334-21,570,335, AC deleted. VCF-style (leftmost placement, unchanged base first): chr1-21570333-AAC-A. GRCh37 (hg19) VCF-style: chr1-21896826-AAC-A.
Other names: c.657_658del, p.Glu219fs (NM_001127501.4); c.591_592del, p.Glu197fs (NM_001177520.3); c.822_823del, p.Glu274fs (NM_001369803.2, NM_001369804.2, NM_001369805.2); short protein forms E219fs, E274fs, E197fs.
Identifiers: ClinVar variation 2704871 (VCV002704871.3), dbSNP rs2545324498, ClinGen allele CA2697552245.